The following is an entry in ClinVar:

ClinVar aggregate classification (germline): Uncertain significance. Review status: criteria provided, multiple submitters, no conflicts (2 of 4 stars). 2 submissions from 2 submitters: Uncertain significance (2). Last evaluated 2024-12-06.

Allele frequency attached by ClinVar (database versions not stated): gnomAD exomes below 0.00001; TOPMed below 0.00001; gnomAD 0.00001.
gnomAD v4.1: 6 of 1,614,002 alleles (0.00037%); highest among the groups gnomAD compares: Non-Finnish European, 0.00051%; no homozygotes.

Submissions (2):

GeneDx
Classification: Uncertain significance. Last evaluated: 2024-12-06. Review status: criteria provided, single submitter. Criteria: GeneDx Variant Classification Process June 2021. Collection method: clinical testing. Allele origin: germline. Affected: yes.
Comment: Not observed at significant frequency in large population cohorts (gnomAD); In silico analysis indicates that this missense variant does not alter protein structure/function; Has not been previously published as pathogenic or benign to our knowledge

Labcorp Genetics (formerly Invitae), Labcorp
Classification: Uncertain significance. Last evaluated: 2022-11-29. Review status: criteria provided, single submitter. Criteria: Invitae Variant Classification Sherloc (09022015). Collection method: clinical testing. Allele origin: germline.
Comment: Advanced modeling of protein sequence and biophysical properties (such as structural, functional, and spatial information, amino acid conservation, physicochemical variation, residue mobility, and thermodynamic stability) performed at Invitae indicates that this missense variant is not expected to disrupt EMC1 protein function. In summary, the available evidence is currently insufficient to determine the role of this variant in disease. Therefore, it has been classified as a Variant of Uncertain Significance. This sequence change replaces tyrosine, which is neutral and polar, with cysteine, which is neutral and slightly polar, at codon 300 of the EMC1 protein (p.Tyr300Cys). This variant is not present in population databases (gnomAD no frequency). This variant has not been reported in the literature in individuals affected with EMC1-related conditions.

NM_015047.3(EMC1):c.899A>G (p.Tyr300Cys)

Genes: EMC1 (ER membrane protein complex subunit 1; minus strand), EMC1-AS1 (EMC1 antisense RNA 1; plus strand). Cytogenetic location: 1p36.13.
Variant type: single nucleotide variant.
Coding change: c.899A>G on transcript NM_015047.3 (MANE Select); coding-DNA position 899, A replaced by G.
Protein change: p.Tyr300Cys; replaces tyrosine 300 with cysteine.
Molecular consequence: missense variant.
Genome position (GRCh38, 1-based): chr1:19,239,873, T>C on the plus strand (A>G on the coding strand, the complement: EMC1 is on the minus strand). VCF-style: chr1-19239873-T-C. GRCh37 (hg19) VCF-style: chr1-19566367-T-C.
Other names: c.899A>G (NM_015047.2); c.899A>G, p.Tyr300Cys (NM_001271427.2, NM_001271428.2, NM_001375820.1 and 1 more transcripts); c.833A>G, p.Tyr278Cys (NM_001271429.2); short protein forms Y278C, Y300C.
Identifiers: ClinVar variation 2044048 (VCV002044048.5), dbSNP rs1226883233, ClinGen allele CA338768082.